The following is an entry in ClinVar:

ClinVar aggregate classification (germline): Uncertain significance. Review status: criteria provided, single submitter (1 of 4 stars). 2 submissions from 2 submitters: Uncertain significance (1). 1 of the submissions does not count toward it. Last evaluated 2023-06-20.

Conditions:
Charcot-Marie-Tooth disease. Also called: Charcot-Marie-Tooth Neuropathy; Charcot-Marie-Tooth Hereditary Neuropathy. Identifiers: Orphanet 166, MedGen C0007959, MONDO:0015626.
Charcot-Marie-Tooth disease type 2. Also called: Charcot-Marie-Tooth type 2. Identifiers: Orphanet 64746, MedGen C0270914, MONDO:0018993.

Submissions (2):

Labcorp Genetics (formerly Invitae), Labcorp
Classification: Uncertain significance for Charcot-Marie-Tooth disease type 2. Last evaluated: 2023-06-20. Review status: criteria provided, single submitter. Criteria: Invitae Variant Classification Sherloc (09022015). Collection method: clinical testing. Allele origin: germline.
Comment: In summary, the available evidence is currently insufficient to determine the role of this variant in disease. Therefore, it has been classified as a Variant of Uncertain Significance. Advanced modeling of protein sequence and biophysical properties (such as structural, functional, and spatial information, amino acid conservation, physicochemical variation, residue mobility, and thermodynamic stability) has been performed at Invitae for this missense variant, however the output from this modeling did not meet the statistical confidence thresholds required to predict the impact of this variant on MFN2 protein function. This sequence change replaces cysteine, which is neutral and slightly polar, with arginine, which is basic and polar, at codon 390 of the MFN2 protein (p.Cys390Arg). This variant is not present in population databases (gnomAD no frequency). This missense change has been observed in individuals with autosomal recessive Charcot-Marie-Tooth disease (PMID: 18458227, 33578441). ClinVar contains an entry for this variant (Variation ID: 637935).

Inherited Neuropathy Consortium
Classification: Uncertain significance for Charcot-Marie-Tooth disease. Review status: no assertion criteria provided. Collection method: literature only. Allele origin: germline. Affected: yes. Not counted in ClinVar's aggregate classification.

Literature cited by the submitters: PubMed 18458227 (cited by Labcorp Genetics (formerly Invitae), Labcorp and Inherited Neuropathy Consortium); PubMed 33578441 (cited by Labcorp Genetics (formerly Invitae), Labcorp).

NM_014874.4(MFN2):c.1168T>C (p.Cys390Arg)

Gene: MFN2 (mitofusin 2; plus strand). Cytogenetic location: 1p36.22.
Variant type: single nucleotide variant.
Coding change: c.1168T>C on transcript NM_014874.4 (MANE Select); coding-DNA position 1168, T replaced by C.
Protein change: p.Cys390Arg; replaces cysteine 390 with arginine.
Molecular consequence: missense variant.
Genome position (GRCh38, 1-based): chr1:12,003,999, T>C. VCF-style: chr1-12003999-T-C. GRCh37 (hg19) VCF-style: chr1-12064056-T-C.
Other names: c.1168T>C, p.Cys390Arg (NM_001127660.2); short protein forms C390R.
Identifiers: ClinVar variation 637935 (VCV000637935.9), dbSNP rs1569859647, ClinGen allele CA338444699.
Genomic context (GRCh38, chr1:12,003,999, plus strand): 5'-CCTCTGCTTAGTCAGACAGGAACATGGATTTCTCACCAGTACTCTGCTTTCAGGGTTTAC[T>C]GCGAGGAAATGCGTGAAGAGCGGCAAGACCGACTGAAATTTATTGACAAACAGCTGGAGC-3'
Protein context (NP_055689.1, residues 380-400): HMAAREQQVY[Cys390Arg]EEMREERQDR